The following is an entry in ClinVar:

NM_017671.5(FERMT1):c.524G>C (p.Gly175Ala)

Gene: FERMT1 (FERM domain containing kindlin 1; minus strand). Cytogenetic location: 20p12.3.
Variant type: single nucleotide variant.
Coding change: c.524G>C on transcript NM_017671.5 (MANE Select); coding-DNA position 524, G replaced by C.
Protein change: p.Gly175Ala; replaces glycine 175 with alanine.
Molecular consequence: missense variant.
Genome position (GRCh38, 1-based): chr20:6,112,485, C>G on the plus strand (G>C on the coding strand, the complement: FERMT1 is on the minus strand). VCF-style: chr20-6112485-C-G. GRCh37 (hg19) VCF-style: chr20-6093132-C-G.
Other names: short protein forms G175A.
Identifiers: ClinVar variation 896303 (VCV000896303.11), dbSNP rs755393121, ClinGen allele CA9758449.

ClinVar aggregate classification (germline): Uncertain significance. Review status: criteria provided, multiple submitters, no conflicts (2 of 4 stars). 3 submissions from 3 submitters: Uncertain significance (3). Last evaluated 2024-11-06.

Conditions:
Inborn genetic diseases. Identifiers: MedGen C0950123, MeSH D030342.
Kindler syndrome (KNDLRS). Also called: Poikiloderma of Kindler; Congenital bullous poikiloderma; BULLOUS ACROKERATOTIC POIKILODERMA OF KINDLER AND WEARY; POIKILODERMA, CONGENITAL, WITH BULLAE, WEARY TYPE; POIKILODERMA, HEREDITARY ACROKERATOTIC; Hereditary acrokeratotic poikiloderma of Weary. Identifiers: Orphanet 2908, Orphanet 306539, MedGen C0406557, MONDO:0008260, OMIM 173650.

Allele frequency attached by ClinVar (database versions not stated): TOPMed 0.00002.
gnomAD v4.1: 36 of 1,613,664 alleles (0.0022%); highest among the groups gnomAD compares: Non-Finnish European, 0.0029%; no homozygotes.

Submissions (3):

Labcorp Genetics (formerly Invitae), Labcorp
Classification: Uncertain significance. Last evaluated: 2024-11-06. Review status: criteria provided, single submitter. Criteria: Invitae Variant Classification Sherloc (09022015). Collection method: clinical testing. Allele origin: germline.
Comment: This sequence change replaces glycine, which is neutral and non-polar, with alanine, which is neutral and non-polar, at codon 175 of the FERMT1 protein (p.Gly175Ala). This variant is present in population databases (rs755393121, gnomAD 0.007%). This variant has not been reported in the literature in individuals affected with FERMT1-related conditions. ClinVar contains an entry for this variant (Variation ID: 896303). Invitae Evidence Modeling of protein sequence and biophysical properties (such as structural, functional, and spatial information, amino acid conservation, physicochemical variation, residue mobility, and thermodynamic stability) indicates that this missense variant is not expected to disrupt FERMT1 protein function with a negative predictive value of 80%. In summary, the available evidence is currently insufficient to determine the role of this variant in disease. Therefore, it has been classified as a Variant of Uncertain Significance.

Ambry Genetics
Classification: Uncertain significance for Inborn genetic diseases. Last evaluated: 2023-10-20. Review status: criteria provided, single submitter. Criteria: Ambry Variant Classification Scheme 2023. Collection method: clinical testing. Allele origin: germline.

Illumina Laboratory Services, Illumina
Classification: Uncertain significance for Kindler syndrome. Last evaluated: 2018-01-13. Review status: criteria provided, single submitter. Criteria: ICSL Variant Classification Criteria 13 December 2019. Collection method: clinical testing. Allele origin: germline.